The following is an entry in ClinVar:

NM_002972.4(SBF1):c.4384C>T (p.Gln1462Ter)

Gene: SBF1 (SET binding factor 1; minus strand). Cytogenetic location: 22q13.33.
Variant type: single nucleotide variant.
Coding change: c.4384C>T on transcript NM_002972.4 (MANE Select); coding-DNA position 4384, C replaced by T.
Protein change: p.Gln1462Ter; replaces glutamine 1462 with a stop codon.
Molecular consequence: nonsense.
Genome position (GRCh38, 1-based): chr22:50,455,394, G>A on the plus strand (C>T on the coding strand, the complement: SBF1 is on the minus strand). VCF-style: chr22-50455394-G-A. GRCh37 (hg19) VCF-style: chr22-50893823-G-A.
Other names: c.4309C>T, p.Gln1437Ter (NM_001365819.1); c.4387C>T, p.Gln1463Ter (NM_001410794.1); c.4306C>T, p.Gln1436Ter (NM_001410795.1); c.4384C>T, p.Gln1462Ter (NM_197971.1); short protein forms Q1436*, Q1463*, Q1437*, Q1462*.
Identifiers: ClinVar variation 1899073 (VCV001899073.5), dbSNP rs2521836891, ClinGen allele CA412195915.

ClinVar aggregate classification (germline): Pathogenic (1 of 4 stars; one submission).

Submission:

Labcorp Genetics (formerly Invitae), Labcorp
Classification: Pathogenic. Last evaluated: 2022-07-17. Review status: criteria provided, single submitter. Criteria: Invitae Variant Classification Sherloc (09022015). Collection method: clinical testing. Allele origin: germline.
Comment: This sequence change creates a premature translational stop signal (p.Gln1462*) in the SBF1 gene. It is expected to result in an absent or disrupted protein product. Loss-of-function variants in SBF1 are known to be pathogenic (PMID: 28005197, 28902413). For these reasons, this variant has been classified as Pathogenic. Algorithms developed to predict the effect of sequence changes on RNA splicing suggest that this variant may create or strengthen a splice site. This variant has not been reported in the literature in individuals affected with SBF1-related conditions. This variant is not present in population databases (gnomAD no frequency).

Literature cited by the submitters: PubMed 28005197; PubMed 28902413.